The following is an entry in ClinVar:

NM_001378609.3(OTOGL):c.1485del (p.Asp495fs)

Gene: OTOGL (otogelin like; plus strand). Cytogenetic location: 12q21.31.
Variant type: Deletion.
Coding change: c.1485del on transcript NM_001378609.3 (MANE Select); coding-DNA position 1485, one base deleted (T; older notation c.1485delT).
Protein change: p.Asp495fs; shifts the reading frame from aspartic acid 495.
Molecular consequence: frameshift variant.
Genome position (GRCh38, 1-based): chr12:80,255,083, T deleted. VCF-style (leftmost placement, unchanged base first): chr12-80255082-AT-A. GRCh37 (hg19) VCF-style: chr12-80648862-AT-A.
Other names: c.1485del, p.Asp495fs (NM_001368062.3, NM_001378610.3, NM_173591.7); short protein forms D495fs.
Identifiers: ClinVar variation 4537890 (VCV004537890.1).

ClinVar aggregate classification (germline): Pathogenic (1 of 4 stars; one submission).

Submission:

GeneDx
Classification: Pathogenic. Last evaluated: 2025-06-10. Review status: criteria provided, single submitter. Criteria: GeneDx Variant Classification Process June 2021. Collection method: clinical testing. Allele origin: germline. Affected: yes.
Comment: Has not been previously published as pathogenic or benign to our knowledge; Frameshift variant predicted to result in protein truncation or nonsense mediated decay in a gene for which loss-of-function is a known mechanism of disease; Not observed at significant frequency in large population cohorts (gnomAD)